The following is an entry in ClinVar:

NM_005045.4(RELN):c.2887G>A (p.Val963Ile)

Gene: RELN (reelin; minus strand). Cytogenetic location: 7q22.1.
Variant type: single nucleotide variant.
Coding change: c.2887G>A on transcript NM_005045.4 (MANE Select); coding-DNA position 2887, G replaced by A.
Protein change: p.Val963Ile; replaces valine 963 with isoleucine.
Molecular consequence: missense variant.
Genome position (GRCh38, 1-based): chr7:103,611,619, C>T on the plus strand (G>A on the coding strand, the complement: RELN is on the minus strand). VCF-style: chr7-103611619-C-T. GRCh37 (hg19) VCF-style: chr7-103252066-C-T.
Other names: c.2887G>A, p.Val963Ile (NM_173054.3); short protein forms V963I.
Identifiers: ClinVar variation 2041720 (VCV002041720.9), dbSNP rs761991712, ClinGen allele CA4421912.
Genomic context (GRCh38, chr7:103,611,619, plus strand): 5'-AGGTAAAAGGCAGAAGGTTACCTGTTACAAGGTTTAAGGAAACTAGACTTACTTCTTGGA[C>T]GAGGTGCCAGGTAAGGCCGTGGTTGGTTGAGTACTCCAGCTTCACCTGGTTGTCCATGTG-3'
Protein context (NP_005036.2, residues 953-973): STNHGLTWHL[Val963Ile]QEECLPSMPS

ClinVar aggregate classification (germline): Uncertain significance. Review status: criteria provided, multiple submitters, no conflicts (2 of 4 stars). 2 submissions from 2 submitters: Uncertain significance (2). Last evaluated 2025-12-01.

Conditions:
Norman-Roberts syndrome (LIS2). Also called: Lissencephaly 2 (Norman-Roberts type). Identifiers: Orphanet 89844, MedGen C0796089, MONDO:0009760, OMIM 257320.
Familial temporal lobe epilepsy 7. Identifiers: Orphanet 101046, MedGen C4225327, MONDO:0014639, OMIM 616436.

Allele frequency attached by ClinVar (database versions not stated): ExAC 0.00002.

Submissions (2):

CeGaT Center for Human Genetics Tuebingen
Classification: Uncertain significance. Last evaluated: 2025-12-01. Review status: criteria provided, single submitter. Criteria: CeGaT Center For Human Genetics Tuebingen Variant Classification Criteria Version 2. Collection method: clinical testing. Allele origin: germline. Affected: yes. Observed: 1 variant allele.

Labcorp Genetics (formerly Invitae), Labcorp
Classification: Uncertain significance for Familial temporal lobe epilepsy 7; Norman-Roberts syndrome. Last evaluated: 2022-10-10. Review status: criteria provided, single submitter. Criteria: Invitae Variant Classification Sherloc (09022015). Collection method: clinical testing. Allele origin: germline.
Comment: In summary, the available evidence is currently insufficient to determine the role of this variant in disease. Therefore, it has been classified as a Variant of Uncertain Significance. Advanced modeling of protein sequence and biophysical properties (such as structural, functional, and spatial information, amino acid conservation, physicochemical variation, residue mobility, and thermodynamic stability) performed at Invitae indicates that this missense variant is not expected to disrupt RELN protein function. This variant has not been reported in the literature in individuals affected with RELN-related conditions. This variant is present in population databases (rs761991712, gnomAD 0.002%). This sequence change replaces valine, which is neutral and non-polar, with isoleucine, which is neutral and non-polar, at codon 963 of the RELN protein (p.Val963Ile).